The following is an entry in ClinVar:

ClinVar aggregate classification (germline): Uncertain significance. Review status: criteria provided, single submitter (1 of 4 stars). 2 submissions from 1 submitter: Uncertain significance (2). Last evaluated 2016-01-07.

Conditions:
Hereditary nonpolyposis colorectal neoplasms. Identifiers: MedGen C0009405, MeSH D003123.
Lynch syndrome. Identifiers: Orphanet 144, MedGen C4552100, MONDO:0005835. Disease mechanism: loss of function.

Submissions (2):

Labcorp Genetics (formerly Invitae), Labcorp
Classification: Uncertain significance for Hereditary nonpolyposis colorectal neoplasms. Last evaluated: 2016-01-07. Review status: criteria provided, single submitter. Criteria: Invitae Variant Classification Sherloc (09022015). Collection method: clinical testing. Allele origin: germline.
Comment: This sequence change deletes 6 nucleotides from exon 1 of the EPCAM mRNA (c.51_56delGGCGAC). This leads to the deletion of 2 amino acid residues in the EPCAM protein (p.Ala18_Thr19del) but otherwise preserves the integrity of the reading frame. This variant is not present in population databases (ExAC no frequency) and has not been reported in the literature in individuals with a EPCAM-related disease. This deletion is in a region that encodes the signal peptide for EPCAM protein (PMID: 23618806) and signal peptides are known to be important for membrane localization during protein synthesis. However, there is no functional evidence that deletion of this region impacts EPCAM protein synthesis and/or localization. In summary, this is a novel variant with uncertain impact on protein function. It has been classified as a Variant of Uncertain Significance.

Labcorp Genetics (formerly Invitae), Labcorp
Classification: Uncertain significance for Hereditary nonpolyposis colorectal neoplasms. Last evaluated: 2016-01-07. Review status: criteria provided, single submitter. Criteria: Invitae Variant Classification Sherloc (09022015). Collection method: clinical testing. Allele origin: germline.
Comment: the same text as in the submission from Labcorp Genetics (formerly Invitae), Labcorp above.

Literature cited by the submitters: PubMed 23618806.

NM_002354.3(EPCAM):c.45GGCGAC[1] (p.16AT[1])

Gene: EPCAM (epithelial cell adhesion molecule; plus strand). Cytogenetic location: 2p21.
Variant type: Microsatellite.
Coding change: c.45GGCGAC[1] on transcript NM_002354.3 (MANE Select); one copy of the 6-base unit GGCGAC starting at c.45; the reference has two copies in a row; one copy, 6 bases deleted.
Protein change: p.16AT[1].
Molecular consequence: inframe deletion.
Genome position (GRCh38, 1-based): chr2:47,369,556-47,369,561, GGCGAC deleted; deleting any 6 consecutive bases within chr2:47,369,549-47,369,561 gives the same sequence; the position shown is the placement nearest the transcript's 3' end. VCF-style (leftmost placement, unchanged base first): chr2-47369548-GCGGCGA-G. GRCh37 (hg19) VCF-style: chr2-47596687-GCGGCGA-G.
Other names: c.51_56delGGCGAC (NM_002354.2).
Identifiers: ClinVar variation 239130 (VCV000239130.5), dbSNP rs878854490, ClinGen allele CA10581973.